The following is an entry in ClinVar:

NM_004793.4(LONP1):c.2163G>T (p.Arg721=)

Gene: LONP1 (lon peptidase 1, mitochondrial; minus strand). Cytogenetic location: 19p13.3.
Variant type: single nucleotide variant.
Coding change: c.2163G>T on transcript NM_004793.4 (MANE Select); coding-DNA position 2163, G replaced by T.
Protein change: p.Arg721=; no amino-acid change (arginine 721 retained).
Molecular consequence: synonymous variant. On other transcripts: non-coding transcript variant (1).
Genome position (GRCh38, 1-based): chr19:5,694,544, C>A on the plus strand (G>T on the coding strand, the complement: LONP1 is on the minus strand). VCF-style: chr19-5694544-C-A. GRCh37 (hg19) VCF-style: chr19-5694555-C-A.
Other names: c.1971G>T, p.Arg657= (NM_001276479.2); c.1575G>T, p.Arg525= (NM_001276480.1).
Identifiers: ClinVar variation 766305 (VCV000766305.10), dbSNP rs145559502, ClinGen allele CA9114235.

ClinVar aggregate classification (germline): Likely benign. Review status: criteria provided, single submitter (1 of 4 stars). 2 submissions from 2 submitters: Likely benign (1). 1 of the submissions does not count toward it. Last evaluated 2025-11-01.

Conditions:
LONP1-related disorder. Also called: LONP1-related condition; LONP1-related disorders.

Allele frequency attached by ClinVar (database versions not stated): gnomAD exomes 0.00008 and 0.00012; ExAC 0.00013; ESP Exome Variant Server 0.00023; gnomAD 0.00041 and 0.00046; TOPMed 0.00056.
gnomAD v4.1: 186 of 1,610,962 alleles (0.012%); highest among the groups gnomAD compares: African/African-American, 0.2%; no homozygotes.

Submissions (2):

Labcorp Genetics (formerly Invitae), Labcorp
Classification: Likely benign. Last evaluated: 2025-11-01. Review status: criteria provided, single submitter. Criteria: Invitae Variant Classification Sherloc (09022015). Collection method: clinical testing. Allele origin: germline.

PreventionGenetics, part of Exact Sciences
Classification: Likely benign for LONP1-related condition. Last evaluated: 2023-07-12. Review status: no assertion criteria provided. Collection method: clinical testing. Allele origin: germline. Not counted in ClinVar's aggregate classification.
Comment: This variant is classified as likely benign based on ACMG/AMP sequence variant interpretation guidelines (Richards et al. 2015 PMID: 25741868, with internal and published modifications).